The following is an entry in ClinVar:

ClinVar aggregate classification (germline): Pathogenic/Likely pathogenic. Review status: criteria provided, multiple submitters, no conflicts (2 of 4 stars). 3 submissions from 3 submitters: Pathogenic (2); Likely pathogenic (1). Last evaluated 2026-01-12.

Conditions:
Leber congenital amaurosis 7 (LCA7). Identifiers: Orphanet 65, MedGen C3151192, MONDO:0013449, OMIM 613829.
Cone-rod dystrophy 2 (CORD2). Also called: CONE-ROD RETINAL DYSTROPHY; Cone-rod retinal dystrophy 2. Identifiers: Orphanet 1872, MedGen C3489532, MONDO:0007362, OMIM 120970.
Inborn genetic diseases. Identifiers: MedGen C0950123, MeSH D030342.
Leber congenital amaurosis 1 (LCA1). Also called: RETINAL BLINDNESS, CONGENITAL; AMAUROSIS CONGENITA OF LEBER I; Congenital absence of the rods and cones; Leber's congenital tapetoretinal degeneration; Leber's congenital tapetoretinal dysplasia. Identifiers: Orphanet 65, MedGen C2931258, MONDO:0008764, OMIM 204000.

Submissions (3):

Labcorp Genetics (formerly Invitae), Labcorp
Classification: Pathogenic for Cone-rod dystrophy 2; Leber congenital amaurosis 7. Last evaluated: 2026-01-12. Review status: criteria provided, single submitter. Criteria: Invitae Variant Classification Sherloc (09022015). Collection method: clinical testing. Allele origin: germline.
Comment: This sequence change creates a premature translational stop signal (p.Ser167*) in the CRX gene. While this is not anticipated to result in nonsense mediated decay, it is expected to disrupt the last 133 amino acid(s) of the CRX protein. This variant is not present in population databases (gnomAD no frequency). This premature translational stop signal has been observed in individuals with autosomal dominant CRX-related conditions (PMID: 29641573, 31626798, 31630094, 32865313). ClinVar contains an entry for this variant (Variation ID: 803571). For these reasons, this variant has been classified as Pathogenic.

Ambry Genetics
Classification: Likely pathogenic for Inborn genetic diseases. Last evaluated: 2024-09-04. Review status: criteria provided, single submitter. Criteria: Ambry Variant Classification Scheme 2023. Collection method: clinical testing. Allele origin: germline.
Comment: The c.500_501delCA (p.S167*) alteration, located in exon 4 (coding exon 3) of the CRX gene, consists of a deletion of 2 nucleotides from position 500 to 501. This changes the amino acid from a serine (S) to a stop codon at amino acid position 167. This alteration occurs at the 3' terminus of the CRX gene, is not expected to trigger nonsense-mediated mRNA decay, and impacts the last 44% of the protein. The exact functional effect of this alteration is unknown; however, the impacted region is critical for protein function (Ambry internal data). This variant was not reported in population-based cohorts in the Genome Aggregation Database (gnomAD). This variant was reported in multiple individuals with Leber congenital amaurosis, retinitis pigmentosa, and other clinical features consistent with CRX-related retinal dystrophy (Huang, 2018; Xu, 2020; Sallum, 2024; External communication, 2024). Based on the available evidence, this alteration is classified as likely pathogenic.

Mendelics
Classification: Pathogenic for Leber congenital amaurosis 1. Last evaluated: 2019-05-28. Review status: criteria provided, single submitter. Criteria: Mendelics Assertion Criteria 2017. Collection method: clinical testing. Allele origin: unknown.

Literature cited by the submitters: PubMed 29641573 (cited by Labcorp Genetics (formerly Invitae), Labcorp and Ambry Genetics); PubMed 31626798 (cited by Labcorp Genetics (formerly Invitae), Labcorp); PubMed 31630094 (cited by Labcorp Genetics (formerly Invitae), Labcorp and Ambry Genetics); PubMed 32865313 (cited by Labcorp Genetics (formerly Invitae), Labcorp); PubMed 38777102 (cited by Ambry Genetics).

NM_000554.6(CRX):c.500_501del (p.Ala166_Ser167insTer)

Gene: CRX (cone-rod homeobox; plus strand). Cytogenetic location: 19q13.33.
Variant type: Deletion.
Coding change: c.500_501del on transcript NM_000554.6 (MANE Select); coding-DNA positions 500 to 501, 2 bases deleted (CA; older notation c.500_501delCA).
Protein change: p.Ala166_Ser167insTer.
Molecular consequence: nonsense.
Genome position (GRCh38, 1-based): chr19:47,839,567-47,839,568, CA deleted. VCF-style (leftmost placement, unchanged base first): chr19-47839566-TCA-T. GRCh37 (hg19) VCF-style: chr19-48342823-TCA-T.
Other names: c.500_501delCA (NM_000554.4).
Identifiers: ClinVar variation 803571 (VCV000803571.9), dbSNP rs1599991611, ClinGen allele CA915951956.